The following is an entry in ClinVar:

NM_020937.4(FANCM):c.98A>C (p.Gln33Pro)

Genes: FANCM (FA complementation group M; plus strand), LOC130055524 (ATAC-STARR-seq lymphoblastoid active region 8299; plus strand). Cytogenetic location: 14q21.2.
Variant type: single nucleotide variant.
Coding change: c.98A>C on transcript NM_020937.4 (MANE Select); coding-DNA position 98, A replaced by C.
Protein change: p.Gln33Pro; replaces glutamine 33 with proline.
Molecular consequence: missense variant.
Genome position (GRCh38, 1-based): chr14:45,136,129, A>C. VCF-style: chr14-45136129-A-C. GRCh37 (hg19) VCF-style: chr14-45605332-A-C.
Other names: c.98A>C, p.Gln33Pro (NM_001308133.2, NM_001308134.2); short protein forms Q33P.
Identifiers: ClinVar variation 2754139 (VCV002754139.3), dbSNP rs759911498, ClinGen allele CA389586942.

ClinVar aggregate classification (germline): Uncertain significance (1 of 4 stars; one submission).

Conditions:
Fanconi anemia (FA). Also called: Fanconi's anemia. Identifiers: Orphanet 84, MedGen C0015625, MeSH D005199, MONDO:0019391.

Submission:

Labcorp Genetics (formerly Invitae), Labcorp
Classification: Uncertain significance for Fanconi anemia. Last evaluated: 2023-08-20. Review status: criteria provided, single submitter. Criteria: Invitae Variant Classification Sherloc (09022015). Collection method: clinical testing. Allele origin: germline.
Comment: This variant has not been reported in the literature in individuals affected with FANCM-related conditions. This variant is not present in population databases (gnomAD no frequency). This sequence change replaces glutamine, which is neutral and polar, with proline, which is neutral and non-polar, at codon 33 of the FANCM protein (p.Gln33Pro). Algorithms developed to predict the effect of missense changes on protein structure and function output the following: SIFT: "Not Available"; PolyPhen-2: "Benign"; Align-GVGD: "Not Available". The proline amino acid residue is found in multiple mammalian species, which suggests that this missense change does not adversely affect protein function. In summary, the available evidence is currently insufficient to determine the role of this variant in disease. Therefore, it has been classified as a Variant of Uncertain Significance.